The following is an entry in ClinVar:

NM_005902.4(SMAD3):c.325T>A (p.Cys109Ser)

Gene: SMAD3 (SMAD family member 3; plus strand). Cytogenetic location: 15q22.33.
Variant type: single nucleotide variant.
Coding change: c.325T>A on transcript NM_005902.4 (MANE Select); coding-DNA position 325, T replaced by A.
Protein change: p.Cys109Ser; replaces cysteine 109 with serine.
Molecular consequence: missense variant.
Genome position (GRCh38, 1-based): chr15:67,165,013, T>A. VCF-style: chr15-67165013-T-A. GRCh37 (hg19) VCF-style: chr15-67457351-T-A.
Other names: c.10T>A, p.Cys4Ser (NM_001145102.2); c.193T>A, p.Cys65Ser (NM_001145103.2); short protein forms C109S, C4S, C65S.
Identifiers: ClinVar variation 647877 (VCV000647877.8), dbSNP rs1555412079, ClinGen allele CA392954036.
Genomic context (GRCh38, chr15:67,165,013, plus strand): 5'-TGCCGCCTGTGGCGATGGCCAGACCTGCACAGCCACCACGAGCTACGGGCCATGGAGCTG[T>A]GTGAGTTCGCCTTCAATATGAAGAAGGACGAGGTCTGCGTGAATCCCTACCACTACCAGA-3'
Protein context (NP_005893.1, residues 99-119): SHHELRAMEL[Cys109Ser]EFAFNMKKDE

ClinVar aggregate classification (germline): Uncertain significance. Review status: criteria provided, multiple submitters, no conflicts (2 of 4 stars). 2 submissions from 2 submitters: Uncertain significance (2). Last evaluated 2024-06-25.

Conditions:
Familial thoracic aortic aneurysm and aortic dissection (TAAD). Also called: Thoracic aortic aneurysms and dissections. Identifiers: Orphanet 91387, MedGen C4707243, MONDO:0019625.

Submissions (2):

GeneDx
Classification: Uncertain significance. Last evaluated: 2024-06-25. Review status: criteria provided, single submitter. Criteria: GeneDx Variant Classification Process June 2021. Collection method: clinical testing. Allele origin: germline. Affected: yes.
Comment: Not observed at significant frequency in large population cohorts (gnomAD); In silico analysis supports that this missense variant has a deleterious effect on protein structure/function; Has not been previously published as pathogenic or benign to our knowledge

Labcorp Genetics (formerly Invitae), Labcorp
Classification: Uncertain significance for Familial thoracic aortic aneurysm and aortic dissection. Last evaluated: 2018-07-31. Review status: criteria provided, single submitter. Criteria: Invitae Variant Classification Sherloc (09022015). Collection method: clinical testing. Allele origin: germline.
Comment: This variant has not been reported in the literature in individuals with SMAD3-related disease. Algorithms developed to predict the effect of missense changes on protein structure and function are either unavailable or do not agree on the potential impact of this missense change (SIFT: "Not Available"; PolyPhen-2: "Possibly Damaging"; Align-GVGD: "Not Available"). In summary, the available evidence is currently insufficient to determine the role of this variant in disease. Therefore, it has been classified as a Variant of Uncertain Significance. This sequence change replaces cysteine with serine at codon 109 of the SMAD3 protein (p.Cys109Ser). The cysteine residue is highly conserved and there is a moderate physicochemical difference between cysteine and serine. This variant is not present in population databases (ExAC no frequency).